The following is an entry in ClinVar:

ClinVar aggregate classification (germline): Pathogenic/Likely pathogenic. Review status: criteria provided, multiple submitters, no conflicts (2 of 4 stars). 3 submissions from 3 submitters: Pathogenic (2); Likely pathogenic (1). Last evaluated 2026-01-08.

Conditions:
Methylcobalamin deficiency type cblE (HMAE). Also called: VITAMIN B12-RESPONSIVE HOMOCYSTINURIA, cblE TYPE; HOMOCYSTINURIA-MEGALOBLASTIC ANEMIA, cblE TYPE; HOMOCYSTINURIA-MEGALOBLASTIC ANEMIA, cblE COMPLEMENTATION TYPE. Identifiers: Orphanet 2169, Orphanet 622, MedGen C1856057, MONDO:0009354, OMIM 236270.
Neural tube defects, folate-sensitive (NTDFS). Also called: NTD, FOLATE-SENSITIVE. Identifiers: Orphanet 823, MedGen C1866558, MONDO:0011120, OMIM 601634.

Allele frequency attached by ClinVar (database versions not stated): gnomAD exomes below 0.00001; gnomAD 0.00001; TOPMed 0.00001.

Submissions (3):

Labcorp Genetics (formerly Invitae), Labcorp
Classification: Pathogenic for Methylcobalamin deficiency type cblE. Last evaluated: 2026-01-08. Review status: criteria provided, single submitter. Criteria: Invitae Variant Classification Sherloc (09022015). Collection method: clinical testing. Allele origin: germline.
Comment: This sequence change creates a premature translational stop signal (p.Gln77Argfs*34) in the MTRR gene. It is expected to result in an absent or disrupted protein product. Loss-of-function variants in MTRR are known to be pathogenic (PMID: 15714522). This variant is present in population databases (no rsID available, gnomAD 0.002%). This variant has not been reported in the literature in individuals affected with MTRR-related conditions. ClinVar contains an entry for this variant (Variation ID: 933492). For these reasons, this variant has been classified as Pathogenic.

Natera, Inc.
Classification: Likely pathogenic for CblE complementation type homocystinuria-megaloblastic anemia due to defect in cobalamin metabolism. Last evaluated: 2024-03-04. Review status: criteria provided, single submitter. Criteria: Natera Variant Classification Schema (03/2026). Collection method: clinical testing. Allele origin: germline.
Comment: The c.230delA variant in MTRR is a frameshift variant predicted to shift the reading frame beginning at codon 77 and leads to a stop codon 34 codons downstream. This variant is expected to result in nonsense mediated decay, truncation, or a dysfunctional protein product. This variant is rare in the general population with a frequency below the threshold expected for the associated phenotype(s). Given the available evidence, this variant is classified as Likely Pathogenic.

Baylor Genetics
Classification: Pathogenic for Neural tube defects, folate-sensitive. Last evaluated: 2023-05-30. Review status: criteria provided, single submitter. Criteria: ACMG Guidelines, 2015. Collection method: clinical testing. Allele origin: unknown.

Literature cited by the submitters: PubMed 15714522 (cited by Labcorp Genetics (formerly Invitae), Labcorp).

NM_002454.3(MTRR):c.230del (p.Gln77fs)

Gene: MTRR (5-methyltetrahydrofolate-homocysteine methyltransferase reductase; plus strand). Cytogenetic location: 5p15.31.
Variant type: Deletion.
Coding change: c.230del on transcript NM_002454.3 (MANE Select); coding-DNA position 230, one base deleted (A; older notation c.230delA).
Protein change: p.Gln77fs; shifts the reading frame from glutamine 77.
Molecular consequence: frameshift variant. On other transcripts: non-coding transcript variant (8).
Genome position (GRCh38, 1-based): chr5:7,873,473, A deleted. VCF-style (leftmost placement, unchanged base first): chr5-7873472-CA-C. GRCh37 (hg19) VCF-style: chr5-7873585-CA-C.
Other names: c.230del, p.Gln77fs (NM_001364440.2, NM_001364441.2, NM_001364442.2 and 1 more transcripts); c.230delA (NM_002454.2); short protein forms Q77fs.
Identifiers: ClinVar variation 933492 (VCV000933492.10), dbSNP rs1408257020, ClinGen allele CA557637627.